The following is an entry in ClinVar:

NM_001267550.2(TTN):c.12711del (p.Glu4238fs)

Gene: TTN (titin; minus strand). Cytogenetic location: 2q31.2.
Variant type: Deletion.
Coding change: c.12711del on transcript NM_001267550.2 (MANE Select); coding-DNA position 12711, one base deleted (A; older notation c.12711delA).
Protein change: p.Glu4238fs; shifts the reading frame from glutamic acid 4238.
Molecular consequence: frameshift variant. On other transcripts: intron variant (1).
Genome position (GRCh38, 1-based): chr2:178,740,522, T deleted on the plus strand (A on the coding strand, the reverse complement: TTN is on the minus strand); the first of 4 consecutive T bases (chr2:178,740,522-178,740,525); deleting any one gives the same sequence. VCF-style (leftmost placement, unchanged base first): chr2-178740521-CT-C. GRCh37 (hg19) VCF-style: chr2-179605248-CT-C.
Other names: c.11760del, p.Glu3921fs (NM_001256850.1); c.11622del, p.Glu3875fs (NM_003319.4); c.11997del, p.Glu4000fs (NM_133432.3); c.12198del, p.Glu4067fs (NM_133437.4); c.10361-2162del (NM_133378.4); short protein forms E3875fs, E3921fs, E4000fs, E4067fs, E4238fs.
Identifiers: ClinVar variation 4880532 (VCV004880532.2).

ClinVar aggregate classification (germline): Likely pathogenic (1 of 4 stars; one submission).

Submission:

Dasa
Classification: Likely pathogenic. Last evaluated: 2024-10-08. Review status: criteria provided, single submitter. Criteria: DASA Assertion Criteria. Collection method: clinical testing. Allele origin: germline.
Comment: NM_001267550.2(TTN):c.12711del (p.Glu4238Lysfs*13) is a frameshift variant in TTN predicted to alter the reading frame and introduce a premature termination codon and is predicted to result in an absent or altered protein product. Loss of function is an established disease mechanism for TTN-associated disorders. Also, this variant is absent from population databases. Based on the currently available evidence, this variant is classified as likely pathogenic.